The following is an entry in ClinVar:

ClinVar aggregate classification (germline): Pathogenic (1 of 4 stars; one submission).

Conditions:
Renal tubular acidosis with progressive nerve deafness. Also called: RENAL TUBULAR ACIDOSIS, AUTOSOMAL RECESSIVE, WITH PROGRESSIVE NERVE DEAFNESS; RTA WITH PROGRESSIVE NERVE DEAFNESS; Distal Renal Tubular Acidosis with Progressive Sensorineural Deafness; renal tubular acidosis, distal, 2, with progressive sensorineural hearing loss. Identifiers: MedGen C0403554, MONDO:0009968, OMIM 267300.

Submission:

Myriad Genetics, Inc.
Classification: Pathogenic for Renal tubular acidosis with progressive nerve deafness. Last evaluated: 2024-05-14. Review status: criteria provided, single submitter. Criteria: Myriad Autosomal Dominant, Autosomal Recessive and X-Linked Classification Criteria (2023). Collection method: clinical testing. Allele origin: unknown.
Comment: NM_001692.3(ATP6V1B1):c.218_219ins17(T74Ffs*5) is expected to be pathogenic in the context of distal renal tubular acidosis with deafness, ATP6V1B1-related. This variant is predicted to lead to an abnormal or absent protein product due to the creation of a premature termination codon in ATP6V1B1, a gene where loss-of-function variants are known to be pathogenic. Please note: this variant was assessed in the context of healthy population screening.

NM_001692.4(ATP6V1B1):c.218_219insATTTAGCAATTACTGAT (p.Gly73_Thr74insPheSerAsnTyrTer)

Gene: ATP6V1B1 (ATPase H+ transporting V1 subunit B1; plus strand). Cytogenetic location: 2p13.3.
Variant type: Insertion.
Coding change: c.218_219insATTTAGCAATTACTGAT on transcript NM_001692.4 (MANE Select); coding-DNA positions 218 to 219, ATTTAGCAATTACTGAT inserted.
Protein change: p.Gly73_Thr74insPheSerAsnTyrTer.
Molecular consequence: nonsense.
Genome position: GRCh38 VCF-style: chr2-70958089-G-GATTTAGCAATTACTGAT. GRCh37 (hg19) VCF-style: chr2-71185219-G-GATTTAGCAATTACTGAT.
Identifiers: ClinVar variation 5010479 (VCV005010479.1).